The following is an entry in ClinVar:

ClinVar aggregate classification (germline): Conflicting classifications of pathogenicity. Review status: criteria provided, conflicting classifications (1 of 4 stars). 6 submissions from 6 submitters: Uncertain significance (5); Likely benign (1). Last evaluated 2026-01-19.

Conditions:
AXIN2-related disorder.
Colorectal cancer. Also called: Colorectal cancer, somatic; Malignant Colorectal Neoplasm. Identifiers: MedGen C0346629, MONDO:0005575, OMIM 114500.
Hereditary cancer-predisposing syndrome. Also called: Neoplastic Syndromes, Hereditary; Tumor predisposition; Hereditary Cancer Syndrome; Hereditary neoplastic syndrome. Identifiers: Orphanet 140162, MedGen C0027672, MeSH D009386, MONDO:0015356.
Oligodontia-cancer predisposition syndrome. Also called: TOOTH AGENESIS-COLORECTAL CANCER SYNDROME. Identifiers: Orphanet 300576, MedGen C1837750, MONDO:0012075, OMIM 608615. Disease mechanism: loss of function.

Allele frequency attached by ClinVar (database versions not stated): gnomAD 0.00002 and 0.00003; gnomAD exomes 0.00002 and 0.00003; ExAC 0.00003; TOPMed 0.00005; 1000 Genomes Project 30x 0.00016.
gnomAD v4.1: 28 of 1,612,746 alleles (0.0017%); highest among the groups gnomAD compares: East Asian, 0.027%; no homozygotes.

Submissions (6):

Labcorp Genetics (formerly Invitae), Labcorp
Classification: Uncertain significance for Oligodontia-cancer predisposition syndrome. Last evaluated: 2026-01-19. Review status: criteria provided, single submitter. Criteria: Invitae Variant Classification Sherloc (09022015). Collection method: clinical testing. Allele origin: germline.
Comment: This sequence change replaces arginine, which is basic and polar, with cysteine, which is neutral and slightly polar, at codon 671 of the AXIN2 protein (p.Arg671Cys). This variant is present in population databases (rs754506970, gnomAD 0.02%). This variant has not been reported in the literature in individuals affected with AXIN2-related conditions. ClinVar contains an entry for this variant (Variation ID: 408768). An algorithm developed to predict the effect of missense changes on protein structure and function (PolyPhen-2) suggests that this variant is likely to be disruptive. In summary, the available evidence is currently insufficient to determine the role of this variant in disease. Therefore, it has been classified as a Variant of Uncertain Significance.

PreventionGenetics, part of Exact Sciences
Classification: Uncertain significance for AXIN2-related condition. Last evaluated: 2025-07-28. Review status: criteria provided, single submitter. Criteria: ACMG Guidelines, 2015. Collection method: clinical testing. Allele origin: germline.
Comment: The AXIN2 c.2011C>T variant is predicted to result in the amino acid substitution p.Arg671Cys. To our knowledge, this variant has not been reported in the literature. This variant is reported in 0.016% of alleles in individuals of East Asian descent in gnomAD. It has conflicting interpretations in ClinVar ranging from likely benign to uncertain (Variation ID: 408768). At this time, the clinical significance of this variant is uncertain due to the absence of conclusive functional and genetic evidence.

GeneDx
Classification: Uncertain significance. Last evaluated: 2024-05-17. Review status: criteria provided, single submitter. Criteria: GeneDx Variant Classification Process June 2021. Collection method: clinical testing. Allele origin: germline. Affected: yes.
Comment: In silico analysis supports that this missense variant does not alter protein structure/function; Observed in an individual with history of sarcoma, as well as in both cases and control groups from breast cancer and melanoma case-control studies (PMID: 27498913, 28569218, 29641532); This variant is associated with the following publications: (PMID: 24145436, 23525077, 27498913, 24362935, 15735151, 28569218, 29641532)

Ambry Genetics
Classification: Likely benign for Hereditary cancer-predisposing syndrome. Last evaluated: 2024-03-04. Review status: criteria provided, single submitter. Criteria: Ambry Variant Classification Scheme 2023. Collection method: clinical testing. Allele origin: germline.

Baylor Genetics
Classification: Uncertain significance for Colorectal cancer. Last evaluated: 2023-10-30. Review status: criteria provided, single submitter. Criteria: ACMG Guidelines, 2015. Collection method: clinical testing. Allele origin: unknown.

Sema4
Classification: Uncertain significance for Hereditary cancer-predisposing syndrome. Last evaluated: 2021-12-12. Review status: criteria provided, single submitter. Criteria: Sema4 Curation Guidelines. Collection method: curation. Allele origin: germline.
Comment: The AXIN2 c.2011C>T (p.R671C) variant has not been reported in literature to our knowledge. It was observed in 3/18280 chromosomes in the East Asian subpopulation in the large and broad cohorts of the Genome Aggregation Database (PMID: 32461654). This variant has been reported in ClinVar (Variation ID 408768). Functional studies have not been performed, and in silico predictions of the variant's effect on protein function are inconclusive. The evidence is insufficient to meet ACMG/AMP criteria for classifying the variant as benign or pathogenic. Thus, the clinical significance of this variant is currently uncertain.

Literature cited by the submitters: PubMed 29641532 (cited by Ambry Genetics).

NM_004655.4(AXIN2):c.2011C>T (p.Arg671Cys)

Gene: AXIN2 (axin 2; minus strand). Cytogenetic location: 17q24.1.
Variant type: single nucleotide variant.
Coding change: c.2011C>T on transcript NM_004655.4 (MANE Select); coding-DNA position 2011, C replaced by T.
Protein change: p.Arg671Cys; replaces arginine 671 with cysteine.
Molecular consequence: missense variant.
Genome position (GRCh38, 1-based): chr17:65,536,450, G>A on the plus strand (C>T on the coding strand, the complement: AXIN2 is on the minus strand). VCF-style: chr17-65536450-G-A. GRCh37 (hg19) VCF-style: chr17-63532568-G-A.
Other names: c.2011C>T (LRG_296t1); c.1816C>T, p.Arg606Cys (NM_001363813.1); short protein forms R671C, R606C.
Identifiers: ClinVar variation 408768 (VCV000408768.18), dbSNP rs754506970, ClinGen allele CA8718430.